The following is an entry in ClinVar:

NM_147191.1(MMP21):c.1046A>G (p.Glu349Gly)

Gene: MMP21 (matrix metallopeptidase 21; minus strand). Cytogenetic location: 10q26.2.
Variant type: single nucleotide variant.
Coding change: c.1046A>G on transcript NM_147191.1 (MANE Select); coding-DNA position 1046, A replaced by G.
Protein change: p.Glu349Gly; replaces glutamic acid 349 with glycine.
Molecular consequence: missense variant.
Genome position (GRCh38, 1-based): chr10:125,770,525, T>C on the plus strand (A>G on the coding strand, the complement: MMP21 is on the minus strand). VCF-style: chr10-125770525-T-C. GRCh37 (hg19) VCF-style: chr10-127459094-T-C.
Other names: short protein forms E349G.
Identifiers: ClinVar variation 707145 (VCV000707145.30), dbSNP rs28381302, ClinGen allele CA5738013.

ClinVar aggregate classification (germline): Benign/Likely benign. Review status: criteria provided, multiple submitters, no conflicts (2 of 4 stars). 5 submissions from 5 submitters: Benign (2); Likely benign (1). 2 of the submissions do not count toward it. Last evaluated 2023-04-01.

Allele frequency attached by ClinVar (database versions not stated): 1000 Genomes Project 30x 0.00094; 1000 Genomes Project 0.00100; gnomAD 0.00258 and 0.00331; TOPMed 0.00273; ESP Exome Variant Server 0.00292; gnomAD exomes 0.00301 and 0.00333; ExAC 0.00331.
gnomAD v4.1: 5,262 of 1,614,042 alleles (0.33%); highest among the groups gnomAD compares: Non-Finnish European, 0.37%; 12 homozygotes.

Submissions (5):

CeGaT Center for Human Genetics Tuebingen
Classification: Likely benign. Last evaluated: 2023-04-01. Review status: criteria provided, single submitter. Criteria: CeGaT Center For Human Genetics Tuebingen Variant Classification Criteria Version 2. Collection method: clinical testing. Allele origin: germline. Affected: yes. Observed: 3 variant alleles.
Comment: MMP21: BP4, BS2

Labcorp Genetics (formerly Invitae), Labcorp
Classification: Benign. Last evaluated: 2019-12-31. Review status: criteria provided, single submitter. Criteria: Invitae Variant Classification Sherloc (09022015). Collection method: clinical testing. Allele origin: germline.

Breakthrough Genomics
Classification: Benign. Review status: criteria provided, single submitter. Criteria: ACMG Guidelines, 2015. Collection method: not provided. Allele origin: germline. Inheritance: Autosomal recessive inheritance. Affected: yes.

Clinical Genetics DNA and cytogenetics Diagnostics Lab, Erasmus MC, Erasmus Medical Center
Classification: Likely benign. Review status: no assertion criteria provided. Collection method: clinical testing. Allele origin: germline. Affected: yes. Study: VKGL Data-share Consensus. Not counted in ClinVar's aggregate classification.

Genome Diagnostics Laboratory, University Medical Center Utrecht
Classification: Likely benign. Review status: no assertion criteria provided. Collection method: clinical testing. Allele origin: germline. Affected: yes. Study: VKGL Data-share Consensus. Not counted in ClinVar's aggregate classification.